The following is an entry in ClinVar:

ClinVar aggregate classification (germline): Uncertain significance. Review status: criteria provided, multiple submitters, no conflicts (2 of 4 stars). 7 submissions from 7 submitters: Uncertain significance (7). Last evaluated 2026-03-18.

Conditions:
Cardiovascular phenotype. Identifiers: MedGen CN230736.
Myofibrillar myopathy 4. Also called: Zaspopathy (type). Identifiers: Orphanet 98912, MedGen C4721886, MONDO:0012277, OMIM 609452.
Dilated cardiomyopathy 1C (CMD1C). Also called: CARDIOMYOPATHY, DILATED, 1C, WITH OR WITHOUT LEFT VENTRICULAR NONCOMPACTION; Cardiomyopathy, dilated, 1C, with or without LVNC. Identifiers: Orphanet 154, Orphanet 54260, MedGen C1832244, MONDO:0011094, OMIM 601493.

Allele frequency attached by ClinVar (database versions not stated): gnomAD exomes 0.00002 and 0.00003; ExAC 0.00003; TOPMed 0.00004; 1000 Genomes Project 30x 0.00062; gnomAD 0.00001 and 0.00003; 1000 Genomes Project 0.00080.
gnomAD v4.1: 45 of 1,613,014 alleles (0.0028%); highest among the groups gnomAD compares: Middle Eastern, 0.017%; no homozygotes.

Submissions (7):

GeneDx
Classification: Uncertain significance. Last evaluated: 2026-03-18. Review status: criteria provided, single submitter. Criteria: GeneDx Variant Classification Process June 2021. Collection method: clinical testing. Allele origin: germline.
Comment: Identified in patients with DCM in published literature (PMID: 24503780, 27532257); In silico analysis supports that this missense variant has a deleterious effect on protein structure/function; Reported using an alternate transcript of the gene; This variant is associated with the following publications: (PMID: 24503780, 27532257, 23861362, 29773157)

Labcorp Genetics (formerly Invitae), Labcorp
Classification: Uncertain significance for Myofibrillar myopathy 4. Last evaluated: 2025-12-01. Review status: criteria provided, single submitter. Criteria: Invitae Variant Classification Sherloc (09022015). Collection method: clinical testing. Allele origin: germline.
Comment: The LDB3 gene has multiple clinically relevant transcripts. This variant occurs in alternate transcript NM_007078.3, and corresponds to NM_001080116.1:c.*17193T>A in the primary transcript. This sequence change replaces valine, which is neutral and non-polar, with glutamic acid, which is acidic and polar, at codon 491 of the LDB3 protein (p.Val491Glu). This variant is present in population databases (rs139709036, gnomAD 0.01%). This missense change has been observed in individual(s) with dilated cardiomyopathy (PMID: 24503780, 27532257). Experimental studies and prediction algorithms are not available or were not evaluated, and the functional significance of this variant is currently unknown. In summary, the available evidence is currently insufficient to determine the role of this variant in disease. Therefore, it has been classified as a Variant of Uncertain Significance.

Ambry Genetics
Classification: Uncertain significance for Cardiovascular phenotype. Last evaluated: 2025-03-14. Review status: criteria provided, single submitter. Criteria: Ambry Variant Classification Scheme 2023. Collection method: clinical testing. Allele origin: germline.
Comment: The p.V491E variant (also known as c.1472T>A), located in coding exon 9 of the LDB3 gene, results from a T to A substitution at nucleotide position 1472. The valine at codon 491 is replaced by glutamic acid, an amino acid with dissimilar properties. This variant has been detected in the homozygous state in an individual with pediatric-onset dilated cardiomyopathy who also had additional variants in LDB3 in addition to variants in other cardiac-related genes (Pugh TJ et al. Genet Med, 2014 Aug;16:601-8; Walsh R et al. Genet Med, 2017 02;19:192-203), and has also been detected in an exome cohort (referred to as c.1142T>A, p.V381E); however, details were limited (Ng D et al. Circ Cardiovasc Genet, 2013 Aug;6:337-46). This amino acid position is well conserved in available vertebrate species. In addition, the in silico prediction for this alteration is inconclusive. Since supporting evidence is limited at this time, the clinical significance of this alteration remains unclear.

Blueprint Genetics
Classification: Uncertain significance. Last evaluated: 2023-07-26. Review status: criteria provided, single submitter. Criteria: ACMG Guidelines, 2015. Collection method: clinical testing. Allele origin: germline.

Fulgent Genetics
Classification: Uncertain significance for Dilated cardiomyopathy 1C; Myofibrillar myopathy 4. Last evaluated: 2021-07-15. Review status: criteria provided, single submitter. Criteria: ACMG Guidelines, 2015. Collection method: clinical testing. Allele origin: unknown.

Biesecker Lab/Clinical Genomics Section, National Institutes of Health
Classification: Uncertain significance. Last evaluated: 2013-06-24. Review status: criteria provided, single submitter. Criteria: Ng et al. (Circ Cardiovasc Genet. 2013). Collection method: research. Allele origin: unknown. Observed: 1 variant allele. Study: ClinSeq.
Comment: The study set was not selected for affection status in relation to any cancer. Pathogenicity categories were based on literature curation. See Pubmed ID:23861362 for details.

Medical sequencing

Laboratory for Molecular Medicine, Mass General Brigham Personalized Medicine
Classification: Uncertain significance. Last evaluated: 2012-04-11. Review status: criteria provided, single submitter. Criteria: LMM Criteria. Collection method: clinical testing. Allele origin: germline. Observed: 1 variant allele.
Comment: The Val491Glu variant (LDB3) has not been reported in the literature nor previou sly identified by our laboratory. Computational analyses (biochemical amino aci d properties, conservation, AlignGVGD, PolyPhen2, and SIFT) suggest that the Val 491Glu variant may impact the protein, though this information is not predictive enough to determine pathogenicity. This variant has been identified in 0.03% (1 /3738) of African American chromosomes from a broad population by the NHLBI Exom e Sequencing Project (dbSNP rs139709036). In summary, additional information is needed to fully assess the clinical signific ance of the Val491Glu variant.

Literature cited by the submitters: PubMed 24503780 (cited by Labcorp Genetics (formerly Invitae), Labcorp and Ambry Genetics); PubMed 27532257 (cited by Labcorp Genetics (formerly Invitae), Labcorp and Ambry Genetics); PubMed 23861362 (cited by Ambry Genetics); PubMed 29773157 (cited by Ambry Genetics).

NM_007078.3(LDB3):c.1472T>A (p.Val491Glu)

Gene: LDB3 (LIM domain binding 3; plus strand). Cytogenetic location: 10q23.2.
Variant type: single nucleotide variant.
Coding change: c.1472T>A on transcript NM_007078.3 (MANE Select); coding-DNA position 1472, T replaced by A.
Protein change: p.Val491Glu; replaces valine 491 with glutamic acid.
Molecular consequence: missense variant.
Genome position (GRCh38, 1-based): chr10:86,716,567, T>A. VCF-style: chr10-86716567-T-A. GRCh37 (hg19) VCF-style: chr10-88476324-T-A.
Other names: c.1142T>A, p.Val381Glu (NM_001080114.2); c.1487T>A, p.Val496Glu (NM_001171610.2); c.1283T>A, p.Val428Glu (NM_001368064.1, NM_001368065.1); c.1331T>A, p.Val444Glu (NM_001368066.1); short protein forms V491E, V381E, V428E, V444E, V496E.
Identifiers: ClinVar variation 45522 (VCV000045522.20), dbSNP rs139709036, ClinGen allele CA136526.